The following is an entry in ClinVar:

ClinVar aggregate classification (germline): Uncertain significance (1 of 4 stars; one submission).

Conditions:
Holoprosencephaly 3 (HPE3). Identifiers: Orphanet 2162, MedGen C1840529, MONDO:0007733, OMIM 142945.

Submission:

Labcorp Genetics (formerly Invitae), Labcorp
Classification: Uncertain significance for Holoprosencephaly 3. Last evaluated: 2022-10-09. Review status: criteria provided, single submitter. Criteria: Invitae Variant Classification Sherloc (09022015). Collection method: clinical testing. Allele origin: germline.
Comment: This variant has not been reported in the literature in individuals affected with SHH-related conditions. In summary, the available evidence is currently insufficient to determine the role of this variant in disease. Therefore, it has been classified as a Variant of Uncertain Significance. Advanced modeling of protein sequence and biophysical properties (such as structural, functional, and spatial information, amino acid conservation, physicochemical variation, residue mobility, and thermodynamic stability) performed at Invitae indicates that this missense variant is expected to disrupt SHH protein function. This variant is not present in population databases (gnomAD no frequency). This sequence change replaces alanine, which is neutral and non-polar, with valine, which is neutral and non-polar, at codon 145 of the SHH protein (p.Ala145Val).

NM_000193.4(SHH):c.434C>T (p.Ala145Val)

Gene: SHH (sonic hedgehog signaling molecule; minus strand). Cytogenetic location: 7q36.3.
Variant type: single nucleotide variant.
Coding change: c.434C>T on transcript NM_000193.4 (MANE Select); coding-DNA position 434, C replaced by T.
Protein change: p.Ala145Val; replaces alanine 145 with valine.
Molecular consequence: missense variant. On other transcripts: non-coding transcript variant (2).
Genome position (GRCh38, 1-based): chr7:155,806,424, G>A on the plus strand (C>T on the coding strand, the complement: SHH is on the minus strand). VCF-style: chr7-155806424-G-A. GRCh37 (hg19) VCF-style: chr7-155599118-G-A.
Other names: c.173C>T, p.Ala58Val (NM_001310462.2); short protein forms A145V, A58V.
Identifiers: ClinVar variation 1721350 (VCV001721350.5), dbSNP rs2535901190, ClinGen allele CA370148600.
Genomic context (GRCh38, chr7:155,806,424, plus strand): 5'-GCCAGGCGGGCCAGCATGCCGTACTTGCTGCGGTCGCGGTCAGACGTGGTGATGTCCACT[G>A]CGCGGCCCTCGTAGTGCAGAGACTCCTCTGAGTGGTGGCCATCTTCGTCCCAGCCCTCGG-3'
Protein context (NP_000184.1, residues 135-155): SEESLHYEGR[Ala145Val]VDITTSDRDR